The following is an entry in ClinVar:

NM_000170.3(GLDC):c.913C>A (p.Pro305Thr)

Gene: GLDC (glycine decarboxylase; minus strand). Cytogenetic location: 9p24.1.
Variant type: single nucleotide variant.
Coding change: c.913C>A on transcript NM_000170.3 (MANE Select); coding-DNA position 913, C replaced by A.
Protein change: p.Pro305Thr; replaces proline 305 with threonine.
Molecular consequence: missense variant.
Genome position (GRCh38, 1-based): chr9:6,604,733, G>T on the plus strand (C>A on the coding strand, the complement: GLDC is on the minus strand). VCF-style: chr9-6604733-G-T. GRCh37 (hg19) VCF-style: chr9-6604733-G-T.
Other names: short protein forms P305T.
Identifiers: ClinVar variation 462894 (VCV000462894.7), dbSNP rs370964168, ClinGen allele CA4980924.

ClinVar aggregate classification (germline): Uncertain significance. Review status: criteria provided, single submitter (1 of 4 stars). 2 submissions from 2 submitters: Uncertain significance (1). 1 of the submissions does not count toward it. Last evaluated 2021-08-24.

Conditions:
Glycine encephalopathy. Also called: Nonketotic hyperglycinemia; Non-ketotic hyperglycinemia. Identifiers: Orphanet 407, MedGen C0751748, MONDO:0011612, HP:0008288.

Allele frequency attached by ClinVar (database versions not stated): gnomAD exomes below 0.00001; ExAC 0.00001; ESP Exome Variant Server 0.00008.
gnomAD v4.1: 2 of 1,614,128 alleles (0.00012%); highest among the groups gnomAD compares: Non-Finnish European, 0.00017%; no homozygotes.

Submissions (2):

Labcorp Genetics (formerly Invitae), Labcorp
Classification: Uncertain significance for Glycine encephalopathy. Last evaluated: 2021-08-24. Review status: criteria provided, single submitter. Criteria: Invitae Variant Classification Sherloc (09022015). Collection method: clinical testing. Allele origin: germline.
Comment: This sequence change replaces proline with threonine at codon 305 of the GLDC protein (p.Pro305Thr). The proline residue is highly conserved and there is a small physicochemical difference between proline and threonine. This variant is present in population databases (rs370964168, ExAC 0.002%). This variant has not been reported in the literature in individuals affected with GLDC-related conditions. Algorithms developed to predict the effect of missense changes on protein structure and function are either unavailable or do not agree on the potential impact of this missense change (SIFT: "Deleterious"; PolyPhen-2: "Probably Damaging"; Align-GVGD: "Class C0"). In summary, the available evidence is currently insufficient to determine the role of this variant in disease. Therefore, it has been classified as a Variant of Uncertain Significance.

Natera, Inc.
Classification: Uncertain significance for Non-ketotic hyperglycinemia. Last evaluated: 2020-09-16. Review status: no assertion criteria provided. Collection method: clinical testing. Allele origin: germline. Not counted in ClinVar's aggregate classification.